The following is an entry in ClinVar:

NM_002267.4(KPNA3):c.707del (p.Pro236fs)

Gene: KPNA3 (karyopherin subunit alpha 3; minus strand). Cytogenetic location: 13q14.2.
Variant type: Deletion.
Coding change: c.707del on transcript NM_002267.4 (MANE Select); coding-DNA position 707, one base deleted (C; older notation c.707delC).
Protein change: p.Pro236fs; shifts the reading frame from proline 236.
Molecular consequence: frameshift variant.
Genome position (GRCh38, 1-based): chr13:49,721,974, G deleted on the plus strand (C on the coding strand, the reverse complement: KPNA3 is on the minus strand); the first of 2 consecutive G bases (chr13:49,721,974-49,721,975); deleting either gives the same sequence. VCF-style (leftmost placement, unchanged base first): chr13-49721973-AG-A. GRCh37 (hg19) VCF-style: chr13-50296109-AG-A.
Other names: short protein forms P236fs.
Identifiers: ClinVar variation 4538611 (VCV004538611.1).

ClinVar aggregate classification (germline): Uncertain significance (1 of 4 stars; one submission).

Submission:

GeneDx
Classification: Uncertain significance. Last evaluated: 2025-06-18. Review status: criteria provided, single submitter. Criteria: GeneDx Variant Classification Process June 2021. Collection method: clinical testing. Allele origin: germline. Affected: yes.
Comment: Not observed at significant frequency in large population cohorts (gnomAD); Has not been previously published as pathogenic or benign to our knowledge; Frameshift variant predicted to result in protein truncation or nonsense mediated decay in a gene for which loss-of-function is not an established mechanism of disease